The following is an entry in ClinVar:

ClinVar aggregate classification (germline): Uncertain significance (1 of 4 stars; one submission).

Submission:

Centre of Medical Genetics, University Hospital Muenster
Classification: Uncertain significance. Last evaluated: 2022-11-24. Review status: criteria provided, single submitter. Criteria: ACMG Guidelines, 2015. Collection method: clinical testing. Allele origin: unknown. Affected: yes. Observed: 1 variant allele, 1 heterozygote.
Comment: ACMG categories: PVS1

NM_001134407.3(GRIN2A):c.4362C>A (p.Tyr1454Ter)

Gene: GRIN2A (glutamate ionotropic receptor NMDA type subunit 2A; minus strand). Cytogenetic location: 16p13.2.
Variant type: single nucleotide variant.
Coding change: c.4362C>A on transcript NM_001134407.3 (MANE Select); coding-DNA position 4362, C replaced by A.
Protein change: p.Tyr1454Ter; replaces tyrosine 1454 with a stop codon.
Molecular consequence: nonsense. On other transcripts: 3 prime UTR variant (1).
Genome position (GRCh38, 1-based): chr16:9,763,182, G>T on the plus strand (C>A on the coding strand, the complement: GRIN2A is on the minus strand). VCF-style: chr16-9763182-G-T. GRCh37 (hg19) VCF-style: chr16-9857039-G-T.
Other names: c.4362C>A, p.Tyr1454Ter (NM_000833.5); c.*173C>A (NM_001134408.2); short protein forms Y1454*.
Identifiers: ClinVar variation 2430306 (VCV002430306.2), dbSNP rs1169395855, ClinGen allele CA394705079.